The following is an entry in ClinVar:

ClinVar aggregate classification (germline): Likely pathogenic (1 of 4 stars; one submission).

Conditions:
Arrhythmogenic right ventricular dysplasia 9 (ARVD9). Also called: ARRHYTHMOGENIC RIGHT VENTRICULAR DYSPLASIA, FAMILIAL, 9; Arrhythmogenic Right Ventricular Dysplasia/Cardiomyopathy 9. Identifiers: MedGen C1836906, MONDO:0012180, OMIM 609040.

Submission:

Juno Genomics, Hangzhou Juno Genomics, Inc
Classification: Likely pathogenic for Arrhythmogenic right ventricular dysplasia 9. Review status: criteria provided, single submitter. Criteria: ACMG Guidelines, 2015. Collection method: clinical testing. Allele origin: germline.
Comment: Null variant in a gene where loss of function (LOF) is a known mechanism of disease.;Absent from controls (or at extremely low frequency if recessive) in Genome Aggregation Database.

NM_001005242.3(PKP2):c.1597del (p.Arg533fs)

Gene: PKP2 (plakophilin 2; minus strand). Cytogenetic location: 12p11.21.
Variant type: Deletion.
Coding change: c.1597del on transcript NM_001005242.3 (MANE Select); coding-DNA position 1597, one base deleted (A; older notation c.1597delA).
Protein change: p.Arg533fs; shifts the reading frame from arginine 533.
Molecular consequence: frameshift variant.
Genome position (GRCh38, 1-based): chr12:32,824,122, T deleted on the plus strand (A on the coding strand, the reverse complement: PKP2 is on the minus strand). VCF-style (leftmost placement, unchanged base first): chr12-32824121-CT-C. GRCh37 (hg19) VCF-style: chr12-32977055-CT-C.
Other names: c.1270del, p.Arg424fs (NM_001407160.1, NM_001407162.1, NM_001407158.1 and 1 more transcripts); c.1597del, p.Arg533fs (NM_001407161.1, NM_001407155.1, NM_001407156.1); c.1729del, p.Arg577fs (NM_004572.4, NM_001407157.1); short protein forms R533fs, R424fs, R577fs.
Identifiers: ClinVar variation 5005097 (VCV005005097.2).